The following is an entry in ClinVar:

ClinVar aggregate classification (germline): Uncertain significance (1 of 4 stars; one submission).

Conditions:
Cardiovascular phenotype. Identifiers: MedGen CN230736.

gnomAD v4.1: 4 of 1,613,938 alleles (0.00025%); highest among the groups gnomAD compares: Non-Finnish European, 0.00034%; no homozygotes.

Submission:

Ambry Genetics
Classification: Uncertain significance for Cardiovascular phenotype. Last evaluated: 2025-08-19. Review status: criteria provided, single submitter. Criteria: Ambry Variant Classification Scheme 2023. Collection method: clinical testing. Allele origin: germline.
Comment: The p.S267N variant (also known as c.800G>A), located in coding exon 7 of the ABCG5 gene, results from a G to A substitution at nucleotide position 800. The serine at codon 267 is replaced by asparagine, an amino acid with highly similar properties. This amino acid position is conserved. In addition, this alteration is predicted to be tolerated by in silico analysis. Based on the available evidence, the clinical significance of this variant remains unclear.

NM_022436.3(ABCG5):c.800G>A (p.Ser267Asn)

Genes: ABCG5 (ATP binding cassette subfamily G member 5; minus strand), DYNC2LI1 (dynein cytoplasmic 2 light intermediate chain 1; plus strand). Cytogenetic location: 2p21.
Variant type: single nucleotide variant.
Coding change: c.800G>A on transcript NM_022436.3 (MANE Select); coding-DNA position 800, G replaced by A.
Protein change: p.Ser267Asn; replaces serine 267 with asparagine.
Molecular consequence: missense variant. On other transcripts: intron variant (2).
Genome position (GRCh38, 1-based): chr2:43,824,993, C>T on the plus strand (G>A on the coding strand, the complement: ABCG5 is on the minus strand). VCF-style: chr2-43824993-C-T. GRCh37 (hg19) VCF-style: chr2-44052132-C-T.
Other names: c.*16-2393C>T (NM_001348913.2, NM_001348912.2); short protein forms S267N.
Identifiers: ClinVar variation 4147109 (VCV004147109.1).